The following is an entry in ClinVar:

ClinVar aggregate classification (germline): Conflicting classifications of pathogenicity. Review status: criteria provided, conflicting classifications (1 of 4 stars). 4 submissions from 4 submitters: Uncertain significance (3); Likely benign (1). Last evaluated 2025-02-26.

Conditions:
Familial cancer of breast. Also called: hereditary breast carcinoma; Hereditary breast cancer; BREAST CANCER, FAMILIAL. Identifiers: Orphanet 227535, MedGen C0346153, MONDO:0016419, OMIM 114480. Disease mechanism: loss of function.
Hereditary cancer-predisposing syndrome. Also called: Tumor predisposition; Hereditary neoplastic syndrome; Neoplastic Syndromes, Hereditary; Hereditary Cancer Syndrome. Identifiers: Orphanet 140162, MedGen C0027672, MeSH D009386, MONDO:0015356.

Allele frequency attached by ClinVar (database versions not stated): gnomAD 0.00001; TOPMed 0.00001.

Submissions (4):

Labcorp Genetics (formerly Invitae), Labcorp
Classification: Uncertain significance for Familial cancer of breast. Last evaluated: 2025-02-26. Review status: criteria provided, single submitter. Criteria: Invitae Variant Classification Sherloc (09022015). Collection method: clinical testing. Allele origin: germline.
Comment: This sequence change replaces glycine, which is neutral and non-polar, with arginine, which is basic and polar, at codon 998 of the PALB2 protein (p.Gly998Arg). This variant is not present in population databases (gnomAD no frequency). This variant has not been reported in the literature in individuals affected with PALB2-related conditions. ClinVar contains an entry for this variant (Variation ID: 379831). Invitae Evidence Modeling of protein sequence and biophysical properties (such as structural, functional, and spatial information, amino acid conservation, physicochemical variation, residue mobility, and thermodynamic stability) indicates that this missense variant is expected to disrupt PALB2 protein function with a positive predictive value of 80%. In summary, the available evidence is currently insufficient to determine the role of this variant in disease. Therefore, it has been classified as a Variant of Uncertain Significance.

Ambry Genetics
Classification: Uncertain significance for Hereditary cancer-predisposing syndrome. Last evaluated: 2023-12-24. Review status: criteria provided, single submitter. Criteria: Ambry Variant Classification Scheme 2023. Collection method: clinical testing. Allele origin: germline.
Comment: The p.G998R variant (also known as c.2992G>A), located in coding exon 9 of the PALB2 gene, results from a G to A substitution at nucleotide position 2992. The glycine at codon 998 is replaced by arginine, an amino acid with dissimilar properties. This amino acid position is conserved. In addition, this alteration is predicted to be tolerated by in silico analysis. Since supporting evidence is limited at this time, the clinical significance of this alteration remains unclear.

Color Diagnostics, LLC DBA Color Health
Classification: Uncertain significance for Hereditary cancer-predisposing syndrome. Last evaluated: 2018-11-18. Review status: criteria provided, single submitter. Criteria: ACMG Guidelines, 2015. Collection method: clinical testing. Allele origin: germline.

GeneDx
Classification: Likely benign. Last evaluated: 2015-05-21. Review status: criteria provided, single submitter. Criteria: GeneDx Variant Classification (06012015). Collection method: clinical testing. Allele origin: germline. Affected: yes.
Comment: This variant is considered likely benign or benign based on one or more of the following criteria: it is a conservative change, it occurs at a poorly conserved position in the protein, it is predicted to be benign by multiple in silico algorithms, and/or has population frequency not consistent with disease.

NM_024675.4(PALB2):c.2992G>A (p.Gly998Arg)

Gene: PALB2 (partner and localizer of BRCA2; minus strand). Cytogenetic location: 16p12.2.
Variant type: single nucleotide variant.
Coding change: c.2992G>A on transcript NM_024675.4 (MANE Select); coding-DNA position 2992, G replaced by A.
Protein change: p.Gly998Arg; replaces glycine 998 with arginine.
Molecular consequence: missense variant.
Genome position (GRCh38, 1-based): chr16:23,622,973, C>T on the plus strand (G>A on the coding strand, the complement: PALB2 is on the minus strand). VCF-style: chr16-23622973-C-T. GRCh37 (hg19) VCF-style: chr16-23634294-C-T.
Other names: short protein forms G998R.
Identifiers: ClinVar variation 379831 (VCV000379831.16), dbSNP rs1039184417, ClinGen allele CA16607334.